The following is an entry in ClinVar:

NM_000146.4(FTL):c.361C>T (p.Arg121Cys)

Gene: FTL (ferritin light chain; plus strand). Cytogenetic location: 19q13.33.
Variant type: single nucleotide variant.
Coding change: c.361C>T on transcript NM_000146.4 (MANE Select); coding-DNA position 361, C replaced by T.
Protein change: p.Arg121Cys; replaces arginine 121 with cysteine.
Molecular consequence: missense variant.
Genome position (GRCh38, 1-based): chr19:48,966,392, C>T. VCF-style: chr19-48966392-C-T. GRCh37 (hg19) VCF-style: chr19-49469649-C-T.
Other names: p.Arg121Cys; short protein forms R121C.
Identifiers: ClinVar variation 2672781 (VCV002672781.23), dbSNP rs747603164, ClinGen allele CA9562540.

ClinVar aggregate classification (germline): Uncertain significance. Review status: criteria provided, multiple submitters, no conflicts (2 of 4 stars). 2 submissions from 2 submitters: Uncertain significance (2). Last evaluated 2025-02-27.

Allele frequency attached by ClinVar (database versions not stated): TOPMed below 0.00001; gnomAD 0.00001; gnomAD exomes 0.00001; ExAC 0.00002.
gnomAD v4.1: 21 of 1,613,988 alleles (0.0013%); highest among the groups gnomAD compares: Admixed American, 0.0033%; no homozygotes.

Submissions (2):

Mayo Clinic Laboratories, Mayo Clinic
Classification: Uncertain significance. Last evaluated: 2025-02-27. Review status: criteria provided, single submitter. Criteria: ACMG Guidelines, 2015. Collection method: clinical testing. Allele origin: germline. Observed: 1 variant allele.

CeGaT Center for Human Genetics Tuebingen
Classification: Uncertain significance. Last evaluated: 2023-11-01. Review status: criteria provided, single submitter. Criteria: CeGaT Center For Human Genetics Tuebingen Variant Classification Criteria Version 2. Collection method: clinical testing. Allele origin: germline. Affected: yes. Observed: 1 variant allele.
Comment: FTL: PM2, BP4